The following is an entry in ClinVar:

ClinVar aggregate classification (germline): Uncertain significance. Review status: criteria provided, multiple submitters, no conflicts (2 of 4 stars). 2 submissions from 2 submitters: Uncertain significance (2). Last evaluated 2025-04-25.

Conditions:
Inborn genetic diseases. Identifiers: MedGen C0950123, MeSH D030342.

Allele frequency attached by ClinVar (database versions not stated): ESP Exome Variant Server 0.00008.

Submissions (2):

Ambry Genetics
Classification: Uncertain significance for Inborn genetic diseases. Last evaluated: 2025-04-25. Review status: criteria provided, single submitter. Criteria: Ambry Variant Classification Scheme 2023. Collection method: clinical testing. Allele origin: germline.

Labcorp Genetics (formerly Invitae), Labcorp
Classification: Uncertain significance. Last evaluated: 2022-10-30. Review status: criteria provided, single submitter. Criteria: Invitae Variant Classification Sherloc (09022015). Collection method: clinical testing. Allele origin: germline.
Comment: This variant has not been reported in the literature in individuals affected with MYO7A-related conditions. This variant is not present in population databases (gnomAD no frequency). This sequence change replaces proline, which is neutral and non-polar, with glutamine, which is neutral and polar, at codon 50 of the MYO7A protein (p.Pro50Gln). Advanced modeling of protein sequence and biophysical properties (such as structural, functional, and spatial information, amino acid conservation, physicochemical variation, residue mobility, and thermodynamic stability) performed at Invitae indicates that this missense variant is not expected to disrupt MYO7A protein function. In summary, the available evidence is currently insufficient to determine the role of this variant in disease. Therefore, it has been classified as a Variant of Uncertain Significance. Algorithms developed to predict the effect of sequence changes on RNA splicing suggest that this variant may disrupt the consensus splice site.

NM_000260.4(MYO7A):c.149C>A (p.Pro50Gln)

Gene: MYO7A (myosin VIIA; plus strand). Cytogenetic location: 11q13.5.
Variant type: single nucleotide variant.
Coding change: c.149C>A on transcript NM_000260.4 (MANE Select); coding-DNA position 149, C replaced by A.
Protein change: p.Pro50Gln; replaces proline 50 with glutamine.
Molecular consequence: missense variant.
Genome position (GRCh38, 1-based): chr11:77,147,814, C>A. VCF-style: chr11-77147814-C-A. GRCh37 (hg19) VCF-style: chr11-76858860-C-A.
Other names: c.149C>A, p.Pro50Gln (NM_001127180.2); c.116C>A, p.Pro39Gln (NM_001369365.1); c.149C>A (NM_000260.3); short protein forms P50Q, P39Q.
Identifiers: ClinVar variation 1988400 (VCV001988400.5), dbSNP rs372170717, ClinGen allele CA6197058.